The following is an entry in ClinVar:

NM_005032.7(PLS3):c.1848G>A (p.Met616Ile)

Gene: PLS3 (plastin 3; plus strand). Cytogenetic location: Xq23.
Variant type: single nucleotide variant.
Coding change: c.1848G>A on transcript NM_005032.7 (MANE Select); coding-DNA position 1848, G replaced by A.
Protein change: p.Met616Ile; replaces methionine 616 with isoleucine.
Molecular consequence: missense variant.
Genome position (GRCh38, 1-based): chrX:115,649,516, G>A. VCF-style: chrX-115649516-G-A. GRCh37 (hg19) VCF-style: chrX-114883836-G-A.
Other names: c.1848G>A, p.Met616Ile (NM_001136025.5); c.1767G>A, p.Met589Ile (NM_001172335.3); c.1809G>A, p.Met603Ile (NM_001282337.2); c.1713G>A, p.Met571Ile (NM_001282338.2); short protein forms M571I, M589I, M603I, M616I.
Identifiers: ClinVar variation 3340485 (VCV003340485.1).

ClinVar aggregate classification (germline): Uncertain significance (1 of 4 stars; one submission).

Conditions:
Hernia, anterior diaphragmatic (DIH5). Identifiers: Orphanet 2140, MedGen C1844025, MONDO:0010606, OMIM 306950.

Submission:

Department of Human Genetics, Hannover Medical School
Classification: Uncertain significance for Hernia, anterior diaphragmatic. Last evaluated: 2024-09-23. Review status: criteria provided, single submitter. Criteria: ACMG Guidelines, 2015. Collection method: clinical testing. Allele origin: germline. Inheritance: X-linked recessive inheritance. Affected: yes.
Comment: ACMG: PM2_Supporting, PP1_Moderate, PP3_Moderate